The following is an entry in ClinVar:

ClinVar aggregate classification (germline): Uncertain significance (1 of 4 stars; one submission).

Submission:

Ambry Genetics
Classification: Uncertain significance. Last evaluated: 2025-02-15. Review status: criteria provided, single submitter. Criteria: Ambry Variant Classification Scheme 2023. Collection method: clinical testing. Allele origin: germline.
Comment: The p.Q742R variant (also known as c.2225A>G), located in coding exon 1 of the TET2 gene, results from an A to G substitution at nucleotide position 2225. The glutamine at codon 742 is replaced by arginine, an amino acid with highly similar properties. This amino acid position is conserved. In addition, this alteration is predicted to be tolerated by in silico analysis. Based on the available evidence, the clinical significance of this variant remains unclear.

NM_001127208.3(TET2):c.2225A>G (p.Gln742Arg)

Genes: TET2 (tet methylcytosine dioxygenase 2; plus strand), TET2-AS1 (TET2 antisense RNA 1; minus strand). Cytogenetic location: 4q24.
Variant type: single nucleotide variant.
Coding change: c.2225A>G on transcript NM_001127208.3 (MANE Select); coding-DNA position 2225, A replaced by G.
Protein change: p.Gln742Arg; replaces glutamine 742 with arginine.
Molecular consequence: missense variant.
Genome position (GRCh38, 1-based): chr4:105,236,167, A>G. VCF-style: chr4-105236167-A-G. GRCh37 (hg19) VCF-style: chr4-106157324-A-G.
Other names: c.2225A>G, p.Gln742Arg (NM_017628.4); short protein forms Q742R.
Identifiers: ClinVar variation 3806063 (VCV003806063.1).
Genomic context (GRCh38, chr4:105,236,167, plus strand): 5'-AGCCTCATAAACAGGCAGCACAAACACAACCATCCCAGAGTTCACATCTCCCTCAAAACC[A>G]GCAACAGCAGCAAAAATTACAAATAAAGAATAAAGAGGAAATACTCCAGACTTTTCCTCA-3'
Protein context (NP_001120680.1, residues 732-752): PSQSSHLPQN[Gln742Arg]QQQQKLQIKN